The following is an entry in ClinVar:

NM_004006.3(DMD):c.7642A>G (p.Thr2548Ala)

Gene: DMD (dystrophin; minus strand). Cytogenetic location: Xp21.1.
Variant type: single nucleotide variant.
Coding change: c.7642A>G on transcript NM_004006.3 (MANE Select); coding-DNA position 7642, A replaced by G.
Protein change: p.Thr2548Ala; replaces threonine 2548 with alanine.
Molecular consequence: missense variant.
Genome position (GRCh38, 1-based): chrX:31,729,649, T>C on the plus strand (A>G on the coding strand, the complement: DMD is on the minus strand). VCF-style: chrX-31729649-T-C. GRCh37 (hg19) VCF-style: chrX-31747766-T-C.
Other names: c.7618A>G, p.Thr2540Ala (NM_000109.4); c.7630A>G, p.Thr2544Ala (NM_004009.3); c.7273A>G, p.Thr2425Ala (NM_004010.3); c.3619A>G, p.Thr1207Ala (NM_004011.4); c.3610A>G, p.Thr1204Ala (NM_004012.4); c.262A>G, p.Thr88Ala (NM_004013.3, NM_004020.4, NM_004021.3 and 2 more transcripts); short protein forms T2425A, T2544A, T2548A, T1204A, T1207A, T2540A, T88A.
Identifiers: ClinVar variation 2123762 (VCV002123762.4), dbSNP rs2530033127, ClinGen allele CA412657506.

ClinVar aggregate classification (germline): Uncertain significance (1 of 4 stars; one submission).

Conditions:
Duchenne muscular dystrophy (DMD). Also called: MUSCULAR DYSTROPHY, PSEUDOHYPERTROPHIC PROGRESSIVE, DUCHENNE TYPE; Duchenne Muscular Dystrophy (DMD). Identifiers: Orphanet 98896, MedGen C0013264, MONDO:0010679, OMIM 310200.

Submission:

Labcorp Genetics (formerly Invitae), Labcorp
Classification: Uncertain significance for Duchenne muscular dystrophy. Last evaluated: 2022-04-09. Review status: criteria provided, single submitter. Criteria: Invitae Variant Classification Sherloc (09022015). Collection method: clinical testing. Allele origin: germline.
Comment: This sequence change replaces threonine, which is neutral and polar, with alanine, which is neutral and non-polar, at codon 2548 of the DMD protein (p.Thr2548Ala). This variant is not present in population databases (gnomAD no frequency). This variant has not been reported in the literature in individuals affected with DMD-related conditions. Algorithms developed to predict the effect of missense changes on protein structure and function output the following: SIFT: "Tolerated"; PolyPhen-2: "Benign"; Align-GVGD: "Class C0". The alanine amino acid residue is found in multiple mammalian species, which suggests that this missense change does not adversely affect protein function. In summary, the available evidence is currently insufficient to determine the role of this variant in disease. Therefore, it has been classified as a Variant of Uncertain Significance.